The following is an entry in ClinVar:

NM_001042492.3(NF1):c.1503T>G (p.His501Gln)

Gene: NF1 (neurofibromin 1; plus strand). Cytogenetic location: 17q11.2.
Variant type: single nucleotide variant.
Coding change: c.1503T>G on transcript NM_001042492.3 (MANE Select); coding-DNA position 1503, T replaced by G.
Protein change: p.His501Gln; replaces histidine 501 with glutamine.
Molecular consequence: missense variant.
Genome position (GRCh38, 1-based): chr17:31,214,561, T>G. VCF-style: chr17-31214561-T-G. GRCh37 (hg19) VCF-style: chr17-29541579-T-G.
Other names: c.1503T>G, p.His501Gln (NM_000267.4, NM_001128147.3); short protein forms H501Q.
Identifiers: ClinVar variation 2452321 (VCV002452321.2), dbSNP rs2143960362, ClinGen allele CA399001655.

ClinVar aggregate classification (germline): Uncertain significance (1 of 4 stars; one submission).

Conditions:
Hereditary cancer-predisposing syndrome. Also called: Neoplastic Syndromes, Hereditary; Tumor predisposition; Hereditary neoplastic syndrome; Hereditary Cancer Syndrome. Identifiers: Orphanet 140162, MedGen C0027672, MeSH D009386, MONDO:0015356.
Cardiovascular phenotype. Identifiers: MedGen CN230736.

Submission:

Ambry Genetics
Classification: Uncertain significance for Cardiovascular phenotype; Hereditary cancer-predisposing syndrome. Last evaluated: 2023-02-21. Review status: criteria provided, single submitter. Criteria: Ambry Variant Classification Scheme 2023. Collection method: clinical testing. Allele origin: germline.
Comment: The p.H501Q variant (also known as c.1503T>G), located in coding exon 13 of the NF1 gene, results from a T to G substitution at nucleotide position 1503. The histidine at codon 501 is replaced by glutamine, an amino acid with highly similar properties. This amino acid position is conserved. In addition, the in silico prediction for this alteration is inconclusive. Since supporting evidence is limited at this time, the clinical significance of this alteration remains unclear.